The following is an entry in ClinVar:

NM_020778.5(ALPK3):c.4469G>T (p.Arg1490Leu)

Gene: ALPK3 (alpha kinase 3; plus strand). Cytogenetic location: 15q25.3.
Variant type: single nucleotide variant.
Coding change: c.4469G>T on transcript NM_020778.5 (MANE Select); coding-DNA position 4469, G replaced by T.
Protein change: p.Arg1490Leu; replaces arginine 1490 with leucine.
Molecular consequence: missense variant.
Genome position (GRCh38, 1-based): chr15:84,863,610, G>T. VCF-style: chr15-84863610-G-T. GRCh37 (hg19) VCF-style: chr15-85406841-G-T.
Other names: short protein forms R1490L.
Identifiers: ClinVar variation 4826144 (VCV004826144.1).

ClinVar aggregate classification (germline): Uncertain significance (1 of 4 stars; one submission).

Conditions:
Cardiovascular phenotype. Identifiers: MedGen CN230736.

Submission:

Ambry Genetics
Classification: Uncertain significance for Cardiovascular phenotype. Last evaluated: 2026-03-12. Review status: criteria provided, single submitter. Criteria: Ambry Variant Classification Scheme 2023. Collection method: clinical testing. Allele origin: germline.
Comment: The p.R1692L variant (also known as c.5075G>T), located in coding exon 11 of the ALPK3 gene, results from a G to T substitution at nucleotide position 5075. The arginine at codon 1692 is replaced by leucine, an amino acid with dissimilar properties. This amino acid position is conserved. In addition, this alteration is predicted to be tolerated by in silico analysis. Based on the available evidence, the clinical significance of this variant remains unclear.